The following is an entry in ClinVar:

NM_003722.5(TP63):c.1350-6238C>G

Gene: TP63 (tumor protein p63; plus strand). Cytogenetic location: 3q28.
Variant type: single nucleotide variant.
Coding change: c.1350-6238C>G on transcript NM_003722.5 (MANE Select); 6238 bases into the intron before coding-DNA position 1350, C replaced by G.
Molecular consequence: intron variant. On other transcripts: missense variant (2).
Genome position (GRCh38, 1-based): chr3:189,880,156, C>G. VCF-style: chr3-189880156-C-G. GRCh37 (hg19) VCF-style: chr3-189597945-C-G.
Other names: c.1442C>G, p.Pro481Arg (NM_001114979.2); c.1160C>G, p.Pro387Arg (NM_001114982.2); c.1344-6238C>G (NM_001329964.2); c.1350-6238C>G (NM_001114978.2, NM_001329144.2); c.1338-6238C>G (NM_001329148.2); c.1068-6238C>G (NM_001114980.2, NM_001114981.2, NM_001329145.2); c.1056-6238C>G (NM_001329149.2); c.813-6238C>G (NM_001329146.2); and 1 more; short protein forms P481R, P387R.
Identifiers: ClinVar variation 4988830 (VCV004988830.1).

ClinVar aggregate classification (germline): Likely benign (1 of 4 stars; one submission).

Conditions:
TP63-related disorder. Also called: TP63-Related Disorders; TP63-related condition. Identifiers: MedGen CN380159.

gnomAD v4.1: 38 of 1,613,772 alleles (0.0024%); highest among the groups gnomAD compares: East Asian, 0.074%; no homozygotes.

Submission:

PreventionGenetics, part of Exact Sciences
Classification: Likely benign for TP63-related condition. Last evaluated: 2025-07-03. Review status: criteria provided, single submitter. Criteria: ACMG Guidelines, 2015. Collection method: clinical testing. Allele origin: germline.
Comment: This variant is classified as likely benign based on ACMG/AMP sequence variant interpretation guidelines (Richards et al. 2015 PMID: 25741868, with internal and published modifications).